The following is an entry in ClinVar:

ClinVar aggregate classification (germline): Pathogenic (1 of 4 stars; one submission).

Conditions:
Metachromatic leukodystrophy (MLD). Also called: CEREBROSIDE SULFATASE DEFICIENCY; METACHROMATIC LEUKOENCEPHALOPATHY; SULFATIDE LIPIDOSIS; ARSA DEFICIENCY; Cerebral sclerosis diffuse metachromatic form; Arylsulfatase A Deficiency. Identifiers: Orphanet 512, MedGen C0023522, MONDO:0018868, OMIM 250100.

Submission:

Labcorp Genetics (formerly Invitae), Labcorp
Classification: Pathogenic for Metachromatic leukodystrophy. Last evaluated: 2021-03-25. Review status: criteria provided, single submitter. Criteria: Invitae Variant Classification Sherloc (09022015). Collection method: clinical testing. Allele origin: germline.
Comment: This sequence change creates a premature translational stop signal (p.Pro379Argfs*44) in the ARSA gene. While this is not anticipated to result in nonsense mediated decay, it is expected to disrupt the last 131 amino acid(s) of the ARSA protein. This variant is not present in population databases (ExAC no frequency). For these reasons, this variant has been classified as Pathogenic. This variant disrupts the C-terminus of the ARSA protein. Other variant(s) that disrupt this region (p.Glu483*) have been determined to be pathogenic (Invitae). This suggests that variants that disrupt this region of the protein are likely to be causative of disease. This variant has not been reported in the literature in individuals with ARSA-related conditions.

NM_000487.6(ARSA):c.1136del (p.Pro379fs)

Gene: ARSA (arylsulfatase A; minus strand). Cytogenetic location: 22q13.33.
Variant type: Deletion.
Coding change: c.1136del on transcript NM_000487.6 (MANE Select); coding-DNA position 1136, one base deleted (C; older notation c.1136delC).
Protein change: p.Pro379fs; shifts the reading frame from proline 379.
Molecular consequence: frameshift variant.
Genome position (GRCh38, 1-based): chr22:50,625,653, G deleted on the plus strand (C on the coding strand, the reverse complement: ARSA is on the minus strand); the first of 3 consecutive G bases (chr22:50,625,653-50,625,655); deleting any one gives the same sequence. VCF-style (leftmost placement, unchanged base first): chr22-50625652-CG-C. GRCh37 (hg19) VCF-style: chr22-51064080-CG-C.
Other names: c.1136del, p.Pro379fs (NM_001085425.3, NM_001085426.3, NM_001085427.3); c.878del, p.Pro293fs (NM_001085428.3, NM_001362782.2); short protein forms P293fs, P379fs.
Identifiers: ClinVar variation 1452278 (VCV001452278.8), dbSNP rs2146717905, ClinGen allele CA2573158307.
Genomic context (GRCh38, chr22:50,625,652, plus strand): 5'-GTGAGCCTTGTACTTTCCAGTCCGCACAGCAAAAACCCCACGGACCTCGTCTGGGTAGGA[CG>C]GGTAGAAGAAGAGAGACTGCCGAGGGCTCTGGGGGCAGAGTCAGGGGTCACGGGGCGGGG-3'